The following is an entry in ClinVar:

ClinVar aggregate classification (germline): Conflicting classifications of pathogenicity. Review status: criteria provided, conflicting classifications (1 of 4 stars). 11 submissions from 11 submitters: Uncertain significance (8); Likely benign (2). 1 of the submissions does not count toward it. Last evaluated 2026-05-26.

Conditions:
MSH6-related disorder. Also called: MSH6-Related disorders; MSH6-related condition.
Hereditary nonpolyposis colorectal neoplasms. Identifiers: MedGen C0009405, MeSH D003123.
Hereditary cancer-predisposing syndrome. Also called: Tumor predisposition; Neoplastic Syndromes, Hereditary; Hereditary neoplastic syndrome; Hereditary Cancer Syndrome. Identifiers: Orphanet 140162, MedGen C0027672, MeSH D009386, MONDO:0015356.
Lynch syndrome. Identifiers: Orphanet 144, MedGen C4552100, MONDO:0005835. Disease mechanism: loss of function.
Lynch syndrome 5 (LYNCH5). Also called: Colorectal cancer, hereditary nonpolyposis, type 5; Hereditary non-polyposis colorectal cancer, type 5. Identifiers: Orphanet 144, MedGen C1833477, MONDO:0013710, OMIM 614350. Disease mechanism: loss of function.
Endometrial carcinoma. Also called: Endometrial carcinoma, somatic. Identifiers: MedGen C0476089, MONDO:0002447, OMIM 608089, HP:0012114.
Malignant tumor of breast. Also called: Malignant breast neoplasm; Cancer breast. Identifiers: MedGen C0006142, MONDO:0007254. Disease mechanism: loss of function.

Allele frequency attached by ClinVar (database versions not stated): TOPMed 0.00002; gnomAD 0.00003; ExAC 0.00004.
gnomAD v4.1: 146 of 1,570,624 alleles (0.0093%); highest among the groups gnomAD compares: Non-Finnish European, 0.012%; no homozygotes.

Submissions (11):

PreventionGenetics, part of Exact Sciences
Classification: Uncertain significance for MSH6-related condition. Last evaluated: 2026-05-26. Review status: criteria provided, single submitter. Criteria: ACMG Guidelines, 2015. Collection method: clinical testing. Allele origin: germline.
Comment: The MSH6 c.3026A>T variant is predicted to result in the amino acid substitution p.Lys1009Ile. This variant was reported in an individuals with breast and/or ovarian cancer (Table S13A, Caminsky et al. 2016. PubMed ID: 26898890; Supp. Table, Lerner-Ellis et al. 2020. PubMed ID: 32885271) and in an individual with breast cancer who had two family members with colorectal cancer (Murphy et al. 2022. PubMed ID: 35128723). This variant is reported in 0.0068% of alleles in individuals of European (Non-Finnish) descent in gnomAD and has conflicting interpretations in ClinVar ranging from uncertain to likely benign (Variation ID: 141232). At this time, the clinical significance of this variant is uncertain due to the absence of conclusive functional and genetic evidence.

Labcorp Genetics (formerly Invitae), Labcorp
Classification: Likely benign for Hereditary nonpolyposis colorectal neoplasms. Last evaluated: 2025-12-14. Review status: criteria provided, single submitter. Criteria: Invitae Variant Classification Sherloc (09022015). Collection method: clinical testing. Allele origin: germline.

Ambry Genetics
Classification: Uncertain significance for Hereditary cancer-predisposing syndrome. Last evaluated: 2025-08-19. Review status: criteria provided, single submitter. Criteria: Ambry Variant Classification Scheme 2023. Collection method: clinical testing. Allele origin: germline.
Comment: The p.K1009I variant (also known as c.3026A>T), located in coding exon 4 of the MSH6 gene, results from an A to T substitution at nucleotide position 3026. The lysine at codon 1009 is replaced by isoleucine, an amino acid with dissimilar properties. This amino acid position is well conserved in available vertebrate species. In addition, the in silico prediction for this alteration is inconclusive. Based on the available evidence, the clinical significance of this variant remains unclear.

GeneDx
Classification: Uncertain significance. Last evaluated: 2025-02-04. Review status: criteria provided, single submitter. Criteria: GeneDx Variant Classification Process June 2021. Collection method: clinical testing. Allele origin: germline. Affected: yes.
Comment: In silico analysis supports that this missense variant has a deleterious effect on protein structure/function; Observed in individuals with breast cancer and serrated polyposis (PMID: 26898890, 35128723); This variant is associated with the following publications: (PMID: 26898890, 35128723, 17531815, 21120944)

Molecular Pathology, Peter Maccallum Cancer Centre
Classification: Uncertain significance for Lynch syndrome 5. Last evaluated: 2025-01-28. Review status: criteria provided, single submitter. Criteria: ACMG Guidelines, 2015. Collection method: clinical testing. Allele origin: germline. Inheritance: Autosomal dominant inheritance.

All of Us Research Program, National Institutes of Health
Classification: Uncertain significance for Lynch syndrome. Last evaluated: 2024-08-06. Review status: criteria provided, single submitter. Criteria: ACMG Guidelines, 2015. Collection method: clinical testing. Allele origin: germline. Inheritance: Autosomal dominant inheritance. Observed: 7 variant alleles, 7 heterozygotes.
Comment: This missense variant replaces lysine with isoleucine at codon 1009 of the MSH6 protein. Computational prediction is inconclusive regarding the impact of this variant on protein structure and function (internally defined REVEL score threshold 0.5 < inconclusive < 0.7, PMID: 27666373). To our knowledge, functional studies have not been reported for this variant. This variant has been reported in individuals affected with breast and/or ovarian cancer (PMID: 26898890; Murphy et al. poster#20W163, ISG 2020; Color internal data). This variant has been identified in 9/247834 chromosomes in the general population by the Genome Aggregation Database (gnomAD). The available evidence is insufficient to determine the role of this variant in disease conclusively. Therefore, this variant is classified as a Variant of Uncertain Significance.

This study involves interpretation of variants in research participants for the purpose of population health screening. Participant phenotype was not available at the time of variant classification. Additional details can be found in publication PMID: 35346344, PMCID: PMC8962531

Color Diagnostics, LLC DBA Color Health
Classification: Uncertain significance for Hereditary cancer-predisposing syndrome. Last evaluated: 2024-05-09. Review status: criteria provided, single submitter. Criteria: ACMG Guidelines, 2015. Collection method: clinical testing. Allele origin: germline.
Comment: This missense variant replaces lysine with isoleucine at codon 1009 of the MSH6 protein. Computational prediction is inconclusive regarding the impact of this variant on protein structure and function (internally defined REVEL score threshold 0.5 < inconclusive < 0.7, PMID: 27666373). To our knowledge, functional studies have not been reported for this variant. This variant has been reported in individuals affected with breast and/or ovarian cancer (PMID: 26898890, 32885271, 35128723). This variant has been identified in 9/247834 chromosomes in the general population by the Genome Aggregation Database (gnomAD). The available evidence is insufficient to determine the role of this variant in disease conclusively. Therefore, this variant is classified as a Variant of Uncertain Significance.

Baylor Genetics
Classification: Uncertain significance for Endometrial carcinoma. Last evaluated: 2024-03-30. Review status: criteria provided, single submitter. Criteria: ACMG Guidelines, 2015. Collection method: clinical testing. Allele origin: unknown.

Myriad Genetics, Inc.
Classification: Likely benign for Lynch syndrome 5. Last evaluated: 2023-11-14. Review status: criteria provided, single submitter. Criteria: Myriad Autosomal Dominant, Autosomal Recessive and X-Linked Classification Criteria (2023). Collection method: clinical testing. Allele origin: unknown.
Comment: This variant is considered likely benign. This variant is strongly associated with less severe personal and family histories of cancer, typical for individuals without pathogenic variants in this gene [PMID: 27363726].

Quest Diagnostics Nichols Institute San Juan Capistrano
Classification: Uncertain significance. Last evaluated: 2019-09-30. Review status: criteria provided, single submitter. Criteria: Quest Diagnostics criteria. Collection method: clinical testing. Allele origin: unknown.

Department of Pathology and Laboratory Medicine, Sinai Health System
Classification: Uncertain significance for Malignant tumor of breast. Review status: no assertion criteria provided. Collection method: clinical testing. Allele origin: unknown. Affected: yes. Study: The Canadian Open Genetics Repository (COGR). Not counted in ClinVar's aggregate classification.
Comment: The MSH6 p.Lys1009Ile variant was not identified in the literature nor was it identified in the UMD-LSDB database. The variant was identified in dbSNP (ID: rs587781593) as "With Uncertain significance allele", ClinVar (classified as uncertain significance by Invitae, Ambry Genetics, GeneDx and Color). The variant was identified in control databases in 9 of 242242 chromosomes at a frequency of 0.00004 (Genome Aggregation Database Feb 27, 2017). The variant was observed in the following populations: Other in 1 of 5554 chromosomes (freq: 0.0002), European in 8 of 114354 chromosomes (freq: 0.00007), but not in the African, Latino, Ashkenazi Jewish, East Asian, Finnish, and South Asian populations. The p.Lys1009 residue is conserved in mammals and computational analyses (PolyPhen-2, SIFT, AlignGVGD, BLOSUM, MutationTaster) provide inconsistent predictions regarding the impact to the protein; this information is not very predictive of pathogenicity. The variant occurs outside of the splicing consensus sequence and in silico or computational prediction software programs (SpliceSiteFinder, MaxEntScan, NNSPLICE, GeneSplicer) do not predict a difference in splicing. In summary, based on the above information the clinical significance of this variant cannot be determined with certainty at this time. This variant is classified as a variant of uncertain significance.

Literature cited by the submitters: PubMed 26898890 (cited by 3 submitters); PubMed 32885271 (cited by Ambry Genetics and Color Diagnostics, LLC DBA Color Health); PubMed 35128723 (cited by Ambry Genetics and Color Diagnostics, LLC DBA Color Health); PubMed 27363726 (cited by Myriad Genetics, Inc.).

NM_000179.3(MSH6):c.3026A>T (p.Lys1009Ile)

Gene: MSH6 (mutS homolog 6; plus strand). Cytogenetic location: 2p16.3.
Variant type: single nucleotide variant.
Coding change: c.3026A>T on transcript NM_000179.3 (MANE Select); coding-DNA position 3026, A replaced by T.
Protein change: p.Lys1009Ile; replaces lysine 1009 with isoleucine.
Molecular consequence: missense variant.
Genome position (GRCh38, 1-based): chr2:47,801,009, A>T. VCF-style: chr2-47801009-A-T. GRCh37 (hg19) VCF-style: chr2-48028148-A-T.
Other names: c.2636A>T, p.Lys879Ile (NM_001281492.2); c.2120A>T, p.Lys707Ile (NM_001281493.2, NM_001281494.2); short protein forms K1009I, K879I, K707I.
Identifiers: ClinVar variation 141232 (VCV000141232.44), dbSNP rs587781593, ClinGen allele CA011400.